The following is an entry in ClinVar:

ClinVar aggregate classification (germline): Uncertain significance (1 of 4 stars; one submission).

Submission:

Labcorp Genetics (formerly Invitae), Labcorp
Classification: Uncertain significance. Last evaluated: 2021-07-08. Review status: criteria provided, single submitter. Criteria: Invitae Variant Classification Sherloc (09022015). Collection method: clinical testing. Allele origin: germline.
Comment: In summary, the available evidence is currently insufficient to determine the role of this variant in disease. Therefore, it has been classified as a Variant of Uncertain Significance. This sequence change replaces serine with phenylalanine at codon 147 of the DONSON protein (p.Ser147Phe). The serine residue is weakly conserved and there is a large physicochemical difference between serine and phenylalanine. This variant is present in population databases (rs747762582, ExAC 0.02%). This variant has not been reported in the literature in individuals affected with DONSON-related conditions. Algorithms developed to predict the effect of missense changes on protein structure and function output the following: SIFT: "Deleterious"; PolyPhen-2: "Benign"; Align-GVGD: "Class C0". The phenylalanine amino acid residue is found in multiple mammalian species, which suggests that this missense change does not adversely affect protein function.

NM_017613.4(DONSON):c.440C>T (p.Ser147Phe)

Gene: DONSON (DNA replication fork stabilization factor DONSON; minus strand). Cytogenetic location: 21q22.11.
Variant type: single nucleotide variant.
Coding change: c.440C>T on transcript NM_017613.4 (MANE Select); coding-DNA position 440, C replaced by T.
Protein change: p.Ser147Phe; replaces serine 147 with phenylalanine.
Molecular consequence: missense variant.
Genome position (GRCh38, 1-based): chr21:33,586,144, G>A on the plus strand (C>T on the coding strand, the complement: DONSON is on the minus strand). VCF-style: chr21-33586144-G-A. GRCh37 (hg19) VCF-style: chr21-34958450-G-A.
Other names: short protein forms S147F.
Identifiers: ClinVar variation 1361904 (VCV001361904.8), dbSNP rs747762582, ClinGen allele CA10010594.